The following is an entry in ClinVar:

ClinVar aggregate classification (germline): Uncertain significance (1 of 4 stars; one submission).

Conditions:
Long QT syndrome (LQTS). Identifiers: MedGen C0023976, MeSH D008133, MONDO:0002442. Disease mechanism: loss of function. Inheritance: Various modes of inheritance.

Submission:

Labcorp Genetics (formerly Invitae), Labcorp
Classification: Uncertain significance for Long QT syndrome. Last evaluated: 2017-06-02. Review status: criteria provided, single submitter. Criteria: Invitae Variant Classification Sherloc (09022015). Collection method: clinical testing. Allele origin: germline.
Comment: This variant is not present in population databases (ExAC no frequency) and has not been reported in the literature in individuals with a CACNA1C-related disease. In summary, this variant is a novel missense change with uncertain impact on protein function. It has been classified as a Variant of Uncertain Significance. Algorithms developed to predict the effect of missense changes on protein structure and function do not agree on the potential impact of this missense change (SIFT: "Tolerated"; PolyPhen-2: "Possibly Damaging"; Align-GVGD: "Class C0"). This sequence change replaces leucine with proline at codon 1854 of the CACNA1C protein (p.Leu1854Pro). The leucine residue is moderately conserved and there is a moderate physicochemical difference between leucine and proline.

NM_000719.7(CACNA1C):c.5561T>C (p.Leu1854Pro)

Genes: CACNA1C (calcium voltage-gated channel subunit alpha1 C; plus strand), CACNA1C-AS1 (CACNA1C antisense RNA 1; minus strand). Cytogenetic location: 12p13.33.
Variant type: single nucleotide variant.
Coding change: c.5561T>C on transcript NM_000719.7 (MANE Select); coding-DNA position 5561, T replaced by C.
Protein change: p.Leu1854Pro; replaces leucine 1854 with proline.
Molecular consequence: missense variant.
Genome position (GRCh38, 1-based): chr12:2,682,666, T>C. VCF-style: chr12-2682666-T-C. GRCh37 (hg19) VCF-style: chr12-2791832-T-C.
Other names: c.5705T>C, p.Leu1902Pro (NM_001129827.2); c.5684T>C, p.Leu1895Pro (NM_001129829.2); c.5666T>C, p.Leu1889Pro (NM_001129830.3, NM_001167624.3); c.5645T>C, p.Leu1882Pro (NM_001129831.2); c.5561T>C, p.Leu1854Pro (NM_001129842.2, NM_001129843.2, NM_001167623.2 and 2 more transcripts); c.5552T>C, p.Leu1851Pro (NM_001129844.2); c.5528T>C, p.Leu1843Pro (NM_001129846.2); c.5741T>C, p.Leu1914Pro (NM_001167625.2); and 6 more; short protein forms L1854P, L1889P, L1902P, L1843P, L1895P, L1851P, L1862P, L1871P.
Identifiers: ClinVar variation 456982 (VCV000456982.9), dbSNP rs1556205510, ClinGen allele CA383381101.